The following is an entry in ClinVar:

ClinVar aggregate classification (germline): Likely pathogenic (1 of 4 stars; one submission).

Submission:

Labcorp Genetics (formerly Invitae), Labcorp
Classification: Likely pathogenic. Last evaluated: 2025-05-19. Review status: criteria provided, single submitter. Criteria: Invitae Variant Classification Sherloc (09022015). Collection method: clinical testing. Allele origin: germline.
Comment: This sequence change affects an acceptor splice site in intron 8 of the DTNBP1 gene. It is expected to disrupt RNA splicing. Variants that disrupt the donor or acceptor splice site typically lead to a loss of protein function (PMID: 16199547), and loss-of-function variants in DTNBP1 are known to be pathogenic (PMID: 12923531, 23364359). This variant is not present in population databases (gnomAD no frequency). This variant has not been reported in the literature in individuals affected with DTNBP1-related conditions. Algorithms developed to predict the effect of sequence changes on RNA splicing suggest that this variant may disrupt the consensus splice site. In summary, the currently available evidence indicates that the variant is pathogenic, but additional data are needed to prove that conclusively. Therefore, this variant has been classified as Likely Pathogenic.

Literature cited by the submitters: PubMed 16199547; PubMed 12923531; PubMed 23364359.

NM_032122.5(DTNBP1):c.668-2A>C

Gene: DTNBP1 (dystrobrevin binding protein 1; minus strand). Cytogenetic location: 6p22.3.
Variant type: single nucleotide variant.
Coding change: c.668-2A>C on transcript NM_032122.5 (MANE Select); the canonical splice acceptor site of the intron before coding-DNA position 668, A replaced by C.
Molecular consequence: splice acceptor variant.
Genome position (GRCh38, 1-based): chr6:15,524,671, T>G on the plus strand (A>C on the coding strand, the complement: DTNBP1 is on the minus strand). VCF-style: chr6-15524671-T-G. GRCh37 (hg19) VCF-style: chr6-15524902-T-G.
Other names: c.563-2A>C (NM_001271669.2); c.617-2A>C (NM_001271668.2); c.425-2A>C (NM_001271667.2); c.668-2A>C (NM_183040.2).
Identifiers: ClinVar variation 4773137 (VCV004773137.1).
Genomic context (GRCh38, chr6:15,524,671, plus strand): 5'-GTCCATCTGCTCCAGCATGTCCACGTTCACTTCCATGGATGACATGCTGCCTATGGGCTC[T>G]GCGGATAGATCAACACGAGAAAGGACACGCTGTCTTTAATATTACTTTAAAAGGTGAACT-3'